The following is an entry in ClinVar:

NM_003470.3(USP7):c.190A>G (p.Ser64Gly)

Gene: USP7 (ubiquitin specific peptidase 7; minus strand). Cytogenetic location: 16p13.2.
Variant type: single nucleotide variant.
Coding change: c.190A>G on transcript NM_003470.3 (MANE Select); coding-DNA position 190, A replaced by G.
Protein change: p.Ser64Gly; replaces serine 64 with glycine.
Molecular consequence: missense variant. On other transcripts: 5 prime UTR variant (1), non-coding transcript variant (1).
Genome position (GRCh38, 1-based): chr16:8,923,408, T>C on the plus strand (A>G on the coding strand, the complement: USP7 is on the minus strand). VCF-style: chr16-8923408-T-C. GRCh37 (hg19) VCF-style: chr16-9017265-T-C.
Other names: c.142A>G, p.Ser48Gly (NM_001286457.2); c.-108A>G (NM_001286458.2); c.16A>G, p.Ser6Gly (NM_001321858.2); short protein forms S48G, S64G, S6G.
Identifiers: ClinVar variation 3383587 (VCV003383587.1).

ClinVar aggregate classification (germline): Uncertain significance (1 of 4 stars; one submission).

Submission:

GeneDx
Classification: Uncertain significance. Last evaluated: 2024-05-29. Review status: criteria provided, single submitter. Criteria: GeneDx Variant Classification Process June 2021. Collection method: clinical testing. Allele origin: germline. Affected: yes.
Comment: Not observed at significant frequency in large population cohorts (gnomAD); In silico analysis indicates that this missense variant does not alter protein structure/function; Has not been previously published as pathogenic or benign to our knowledge